The following is an entry in ClinVar:

NM_001164508.2(NEB):c.22535C>G (p.Pro7512Arg)

Genes: NEB (nebulin; minus strand), RIF1 (replication timing regulatory factor 1; plus strand). Cytogenetic location: 2q23.3.
Variant type: single nucleotide variant.
Coding change: c.22535C>G on transcript NM_001164508.2 (MANE Select); coding-DNA position 22535, C replaced by G.
Protein change: p.Pro7512Arg; replaces proline 7512 with arginine.
Molecular consequence: missense variant.
Genome position (GRCh38, 1-based): chr2:151,519,713, G>C on the plus strand (C>G on the coding strand, the complement: NEB is on the minus strand). VCF-style: chr2-151519713-G-C. GRCh37 (hg19) VCF-style: chr2-152376227-G-C.
Other names: c.22535C>G, p.Pro7512Arg (NM_001164507.2); c.22640C>G, p.Pro7547Arg (NM_001271208.2); c.17432C>G, p.Pro5811Arg (NM_004543.5); c.17432C>G (NM_004543.4); short protein forms P5811R, P7547R, P7512R.
Identifiers: ClinVar variation 498118 (VCV000498118.8), dbSNP rs376609115, ClinGen allele CA348761851.

ClinVar aggregate classification (germline): Uncertain significance. Review status: criteria provided, multiple submitters, no conflicts (2 of 4 stars). 3 submissions from 3 submitters: Uncertain significance (3). Last evaluated 2023-03-14.

Conditions:
Nemaline myopathy 2 (NEM2). Also called: Nemaline myopathy 2, autosomal recessive. Identifiers: MedGen C1850569, MONDO:0009725, OMIM 256030.
Inborn genetic diseases. Identifiers: MedGen C0950123, MeSH D030342.

gnomAD v4.1: 1 of 1,612,790 alleles (0.000062%); highest among the groups gnomAD compares: African/African-American, 0.0013%; no homozygotes.

Submissions (3):

Ambry Genetics
Classification: Uncertain significance for Inborn genetic diseases. Last evaluated: 2023-03-14. Review status: criteria provided, single submitter. Criteria: Ambry Variant Classification Scheme 2023. Collection method: clinical testing. Allele origin: germline.

Labcorp Genetics (formerly Invitae), Labcorp
Classification: Uncertain significance for Nemaline myopathy 2. Last evaluated: 2022-09-06. Review status: criteria provided, single submitter. Criteria: Invitae Variant Classification Sherloc (09022015). Collection method: clinical testing. Allele origin: germline.
Comment: This sequence change replaces proline, which is neutral and non-polar, with arginine, which is basic and polar, at codon 7547 of the NEB protein (p.Pro7547Arg). This variant is not present in population databases (gnomAD no frequency). This variant has not been reported in the literature in individuals affected with NEB-related conditions. ClinVar contains an entry for this variant (Variation ID: 498118). Algorithms developed to predict the effect of missense changes on protein structure and function are either unavailable or do not agree on the potential impact of this missense change (SIFT: "Deleterious"; PolyPhen-2: "Not Available"; Align-GVGD: "Class C0"). In summary, the available evidence is currently insufficient to determine the role of this variant in disease. Therefore, it has been classified as a Variant of Uncertain Significance.

Eurofins Ntd Llc (ga)
Classification: Uncertain significance. Last evaluated: 2016-12-06. Review status: criteria provided, single submitter. Criteria: EGL Classification Definitions 2015. Collection method: clinical testing. Allele origin: germline. Observed: 1 variant allele, 1 homozygote.